The following is an entry in ClinVar:

ClinVar aggregate classification (germline): Likely pathogenic (1 of 4 stars; one submission).

Conditions:
Hereditary cancer-predisposing syndrome. Also called: Neoplastic Syndromes, Hereditary; Tumor predisposition; Hereditary Cancer Syndrome; Hereditary neoplastic syndrome. Identifiers: Orphanet 140162, MedGen C0027672, MeSH D009386, MONDO:0015356.

Allele frequency attached by ClinVar (database versions not stated): TOPMed 0.00002.

Submission:

Ambry Genetics
Classification: Likely pathogenic for Hereditary cancer-predisposing syndrome. Last evaluated: 2025-09-08. Review status: criteria provided, single submitter. Criteria: Ambry Variant Classification Scheme 2023. Collection method: clinical testing. Allele origin: germline.
Comment: The c.7618-187G>T intronic variant results from a G to T substitution 187 nucleotides upstream from coding exon 15 in the BRCA2 gene. This nucleotide position is not well conserved in available vertebrate species. In silico splice site analysis predicts that this alteration will result in the creation or strengthening of a novel splice donor site. RNA studies have demonstrated that this alteration results in abnormal splicing in the set of samples tested (Ambry internal data). This variant is considered to be rare based on population cohorts in the Genome Aggregation Database (gnomAD). Based on the majority of available evidence to date, this variant is likely to be pathogenic.

NM_000059.4(BRCA2):c.7618-187G>T

Gene: BRCA2 (BRCA2 DNA repair associated; plus strand). Cytogenetic location: 13q13.1.
Variant type: single nucleotide variant.
Coding change: c.7618-187G>T on transcript NM_000059.4 (MANE Select); 187 bases into the intron before coding-DNA position 7618, G replaced by T.
Molecular consequence: intron variant.
Genome position (GRCh38, 1-based): chr13:32,357,555, G>T. VCF-style: chr13-32357555-G-T. GRCh37 (hg19) VCF-style: chr13-32931692-G-T.
Identifiers: ClinVar variation 1759824 (VCV001759824.3), dbSNP rs990732816, ClinGen allele CA247470669.